The following is an entry in ClinVar:

ClinVar aggregate classification (germline): Conflicting classifications of pathogenicity. Review status: criteria provided, conflicting classifications (1 of 4 stars). 4 submissions from 4 submitters: Likely pathogenic (2); Uncertain significance (1). 1 of the submissions does not count toward it. Last evaluated 2025-07-25.

Conditions:
Usher syndrome type 1C. Also called: USHER SYNDROME, TYPE I, ACADIAN VARIETY. Identifiers: Orphanet 231169, Orphanet 886, MedGen C1848604, MONDO:0010171, OMIM 276904.
Autosomal recessive nonsyndromic hearing loss 18A. Also called: Deafness, autosomal recessive 18A; DEAFNESS, AUTOSOMAL RECESSIVE 18. Identifiers: Orphanet 90636, MedGen C1865870, MONDO:0011192, OMIM 602092.

Allele frequency attached by ClinVar (database versions not stated): gnomAD exomes below 0.00001.
gnomAD v4.1: 1 of 1,613,906 alleles (0.000062%); highest among the groups gnomAD compares: Non-Finnish European, 0.000085%; no homozygotes.

Submissions (4):

Myriad Genetics, Inc.
Classification: Uncertain significance for Usher syndrome type 1C. Last evaluated: 2025-07-25. Review status: criteria provided, single submitter. Criteria: Myriad Autosomal Dominant, Autosomal Recessive and X-Linked Classification Criteria (2023). Collection method: clinical testing. Allele origin: unknown.
Comment: NM_005709.3(USH1C):c.1590+1G>T is a variant in a canonical splice site classified as a variant of uncertain significance in the context of USH1C-related disorders. c.1590+1G>T has not been observed in cases with relevant disease. Relevant functional assessments of this variant are not available in the literature. c.1590+1G>T has not been observed in referenced population frequency databases. In summary, there is insufficient evidence to classify NM_005709.3(USH1C):c.1590+1G>T as pathogenic or benign. Please note: this variant was assessed in the context of healthy population screening.

GeneDx
Classification: Likely pathogenic. Last evaluated: 2024-06-18. Review status: criteria provided, single submitter. Criteria: GeneDx Variant Classification Process June 2021. Collection method: clinical testing. Allele origin: germline. Affected: yes.
Comment: Canonical splice site variant predicted to result in a null allele in a gene for which loss of function is a known mechanism of disease; Not observed at significant frequency in large population cohorts (gnomAD); Has not been previously published as pathogenic or benign to our knowledge

Labcorp Genetics (formerly Invitae), Labcorp
Classification: Likely pathogenic. Last evaluated: 2021-05-07. Review status: criteria provided, single submitter. Criteria: Invitae Variant Classification Sherloc (09022015). Collection method: clinical testing. Allele origin: germline.
Comment: This sequence change affects a donor splice site in intron 19 of the USH1C gene. It is expected to disrupt RNA splicing. Variants that disrupt the donor or acceptor splice site typically lead to a loss of protein function (PMID: 16199547), and loss-of-function variants in USH1C are known to be pathogenic (PMID: 10973247, 17407589, 20301442, 21203349). This variant is not present in population databases (ExAC no frequency). This variant has not been reported in the literature in individuals with USH1C-related conditions. ClinVar contains an entry for this variant (Variation ID: 557880). Algorithms developed to predict the effect of sequence changes on RNA splicing suggest that this variant may disrupt the consensus splice site, but this prediction has not been confirmed by published transcriptional studies. In summary, the currently available evidence indicates that the variant is pathogenic, but additional data are needed to prove that conclusively. Therefore, this variant has been classified as Likely Pathogenic.

Counsyl
Classification: Likely pathogenic for Usher syndrome type 1C; Autosomal recessive nonsyndromic hearing loss 18A. Last evaluated: 2018-04-13. Review status: no assertion criteria provided. Collection method: clinical testing. Allele origin: unknown. Not counted in ClinVar's aggregate classification.

Literature cited by the submitters: PubMed 16199547 (cited by Labcorp Genetics (formerly Invitae), Labcorp); PubMed 10973247 (cited by Labcorp Genetics (formerly Invitae), Labcorp); PubMed 17407589 (cited by Labcorp Genetics (formerly Invitae), Labcorp); PubMed 20301442 (cited by Labcorp Genetics (formerly Invitae), Labcorp); PubMed 21203349 (cited by Labcorp Genetics (formerly Invitae), Labcorp).

NM_153676.4(USH1C):c.2490+1G>T

Gene: USH1C (USH1 protein network component harmonin; minus strand). Cytogenetic location: 11p15.1.
Variant type: single nucleotide variant.
Coding change: c.2490+1G>T on transcript NM_153676.4 (MANE Select); the canonical splice donor site of the intron after coding-DNA position 2490, G replaced by T.
Molecular consequence: splice donor variant.
Genome position (GRCh38, 1-based): chr11:17,498,161, C>A on the plus strand (G>T on the coding strand, the complement: USH1C is on the minus strand). VCF-style: chr11-17498161-C-A. GRCh37 (hg19) VCF-style: chr11-17519708-C-A.
Other names: c.1533+1G>T (NM_001297764.2); c.1590+1G>T (NM_005709.4).
Identifiers: ClinVar variation 557880 (VCV000557880.12), dbSNP rs1554953746, ClinGen allele CA379800229.